The following is an entry in ClinVar:

NM_001130144.3(LTBP3):c.1488C>A (p.Ser496Arg)

Gene: LTBP3 (latent transforming growth factor beta binding protein 3; minus strand). Cytogenetic location: 11q13.1.
Variant type: single nucleotide variant.
Coding change: c.1488C>A on transcript NM_001130144.3 (MANE Select); coding-DNA position 1488, C replaced by A.
Protein change: p.Ser496Arg; replaces serine 496 with arginine.
Molecular consequence: missense variant.
Genome position (GRCh38, 1-based): chr11:65,552,015, G>T on the plus strand (C>A on the coding strand, the complement: LTBP3 is on the minus strand). VCF-style: chr11-65552015-G-T. GRCh37 (hg19) VCF-style: chr11-65319486-G-T.
Other names: c.1137C>A, p.Ser379Arg (NM_001164266.1); c.1488C>A, p.Ser496Arg (NM_021070.4); short protein forms S496R, S379R.
Identifiers: ClinVar variation 2562651 (VCV002562651.2), dbSNP rs1856631027, ClinGen allele CA381273150.

ClinVar aggregate classification (germline): Uncertain significance (1 of 4 stars; one submission).

Conditions:
Inborn genetic diseases. Identifiers: MedGen C0950123, MeSH D030342.

Allele frequency attached by ClinVar (database versions not stated): gnomAD exomes below 0.00001.
gnomAD v4.1: 3 of 1,614,028 alleles (0.00019%); highest among the groups gnomAD compares: African/African-American, 0.0027%; no homozygotes.

Submission:

Ambry Genetics
Classification: Uncertain significance for Inborn genetic diseases. Last evaluated: 2023-04-03. Review status: criteria provided, single submitter. Criteria: Ambry Variant Classification Scheme 2023. Collection method: clinical testing. Allele origin: germline.
Comment: The p.S496R variant (also known as c.1488C>A), located in coding exon 8 of the LTBP3 gene, results from a C to A substitution at nucleotide position 1488. The serine at codon 496 is replaced by arginine, an amino acid with dissimilar properties. This amino acid position is conserved. In addition, the in silico prediction for this alteration is inconclusive. Since supporting evidence is limited at this time, the clinical significance of this alteration remains unclear.